The following is an entry in ClinVar:

ClinVar aggregate classification (germline): Uncertain significance (1 of 4 stars; one submission).

Allele frequency attached by ClinVar (database versions not stated): ExAC 0.00001; gnomAD exomes 0.00001 and 0.00002.
gnomAD v4.1: 6 of 1,612,426 alleles (0.00037%); highest among the groups gnomAD compares: Admixed American, 0.0083%; no homozygotes.

Submission:

Labcorp Genetics (formerly Invitae), Labcorp
Classification: Uncertain significance. Last evaluated: 2021-06-18. Review status: criteria provided, single submitter. Criteria: Invitae Variant Classification Sherloc (09022015). Collection method: clinical testing. Allele origin: germline.
Comment: This variant is present in population databases (rs753429658, ExAC 0.009%). This sequence change falls in intron 2 of the IRF9 gene. It does not directly change the encoded amino acid sequence of the IRF9 protein. It affects a nucleotide within the consensus splice site of the intron. This variant has not been reported in the literature in individuals with IRF9-related conditions. Nucleotide substitutions within the consensus splice site are a relatively common cause of aberrant splicing (PMID: 17576681, 9536098). Algorithms developed to predict the effect of sequence changes on RNA splicing suggest that this variant is not likely to affect RNA splicing, but this prediction has not been confirmed by published transcriptional studies. In summary, the available evidence is currently insufficient to determine the role of this variant in disease. Therefore, it has been classified as a Variant of Uncertain Significance.

Literature cited by the submitters: PubMed 17576681; PubMed 9536098.

NM_006084.5(IRF9):c.180+6A>G

Gene: IRF9 (interferon regulatory factor 9; plus strand). Cytogenetic location: 14q12.
Variant type: single nucleotide variant.
Coding change: c.180+6A>G on transcript NM_006084.5 (MANE Select); 6 bases into the intron after coding-DNA position 180, A replaced by G.
Molecular consequence: intron variant.
Genome position (GRCh38, 1-based): chr14:24,162,330, A>G. VCF-style: chr14-24162330-A-G. GRCh37 (hg19) VCF-style: chr14-24631539-A-G.
Other names: c.180+6A>G (NM_001385400.1, NM_001385401.1, NM_001385402.1).
Identifiers: ClinVar variation 1408659 (VCV001408659.6), dbSNP rs753429658, ClinGen allele CA7126366.